The following is an entry in ClinVar:

NM_001375524.1(TRRAP):c.8661G>A (p.Met2887Ile)

Gene: TRRAP (transformation/transcription domain associated protein; plus strand). Cytogenetic location: 7q22.1.
Variant type: single nucleotide variant.
Coding change: c.8661G>A on transcript NM_001375524.1 (MANE Select); coding-DNA position 8661, G replaced by A.
Protein change: p.Met2887Ile; replaces methionine 2887 with isoleucine.
Molecular consequence: missense variant.
Genome position (GRCh38, 1-based): chr7:98,981,795, G>A. VCF-style: chr7-98981795-G-A. GRCh37 (hg19) VCF-style: chr7-98579418-G-A.
Other names: c.8640G>A, p.Met2880Ile (NM_001244580.2); c.8586G>A, p.Met2862Ile (NM_003496.4); short protein forms M2880I, M2862I, M2887I.
Identifiers: ClinVar variation 3671778 (VCV003671778.2).

ClinVar aggregate classification (germline): Uncertain significance (1 of 4 stars; one submission).

gnomAD v4.1: 3 of 1,606,012 alleles (0.00019%); highest among the groups gnomAD compares: African/African-American, 0.004%; no homozygotes.

Submission:

Labcorp Genetics (formerly Invitae), Labcorp
Classification: Uncertain significance. Last evaluated: 2024-04-12. Review status: criteria provided, single submitter. Criteria: Invitae Variant Classification Sherloc (09022015). Collection method: clinical testing. Allele origin: germline.
Comment: This sequence change replaces methionine, which is neutral and non-polar, with isoleucine, which is neutral and non-polar, at codon 2862 of the TRRAP protein (p.Met2862Ile). The frequency data for this variant in the population databases is considered unreliable, as metrics indicate poor data quality at this position in the gnomAD database. This variant has not been reported in the literature in individuals affected with TRRAP-related conditions. Advanced modeling of protein sequence and biophysical properties (such as structural, functional, and spatial information, amino acid conservation, physicochemical variation, residue mobility, and thermodynamic stability) performed at Invitae indicates that this missense variant is not expected to disrupt TRRAP protein function with a negative predictive value of 80%. In summary, the available evidence is currently insufficient to determine the role of this variant in disease. Therefore, it has been classified as a Variant of Uncertain Significance.